The following is an entry in ClinVar:

NM_177438.3(DICER1):c.5076C>G (p.Tyr1692Ter)

Gene: DICER1 (dicer 1, ribonuclease III; minus strand). Cytogenetic location: 14q32.13.
Variant type: single nucleotide variant.
Coding change: c.5076C>G on transcript NM_177438.3 (MANE Select); coding-DNA position 5076, C replaced by G.
Protein change: p.Tyr1692Ter; replaces tyrosine 1692 with a stop codon.
Molecular consequence: nonsense. On other transcripts: non-coding transcript variant (6).
Genome position (GRCh38, 1-based): chr14:95,095,844, G>C on the plus strand (C>G on the coding strand, the complement: DICER1 is on the minus strand). VCF-style: chr14-95095844-G-C. GRCh37 (hg19) VCF-style: chr14-95562181-G-C.
Other names: c.5076C>G, p.Tyr1692Ter (NM_001195573.1, NM_001271282.3, NM_001291628.2 and 13 more transcripts); c.4794C>G, p.Tyr1598Ter (NM_001395686.1); c.4671C>G, p.Tyr1557Ter (NM_001395687.1, NM_001395688.1, NM_001395689.1 and 2 more transcripts); c.4509C>G, p.Tyr1503Ter (NM_001395691.1); c.3393C>G, p.Tyr1131Ter (NM_001395697.1); short protein forms Y1503*, Y1557*, Y1598*, Y1131*, Y1692*.
Identifiers: ClinVar variation 1745181 (VCV001745181.4), dbSNP rs2542475809, ClinGen allele CA390865933.

ClinVar aggregate classification (germline): Pathogenic. Review status: criteria provided, multiple submitters, no conflicts (2 of 4 stars). 2 submissions from 2 submitters: Pathogenic (2). Last evaluated 2024-05-10.

Conditions:
Hereditary cancer-predisposing syndrome. Also called: Neoplastic Syndromes, Hereditary; Tumor predisposition; Hereditary Cancer Syndrome; Hereditary neoplastic syndrome. Identifiers: Orphanet 140162, MedGen C0027672, MeSH D009386, MONDO:0015356.
DICER1-related tumor predisposition. Also called: DICER1 syndrome; DICER1-related pleuropulmonary blastoma cancer predisposition syndrome. Identifiers: Orphanet 284343, MedGen C3839822, MONDO:0100216.

Submissions (2):

Labcorp Genetics (formerly Invitae), Labcorp
Classification: Pathogenic for DICER1-related tumor predisposition. Last evaluated: 2024-05-10. Review status: criteria provided, single submitter. Criteria: Invitae Variant Classification Sherloc (09022015). Collection method: clinical testing. Allele origin: germline.
Comment: This sequence change creates a premature translational stop signal (p.Tyr1692*) in the DICER1 gene. It is expected to result in an absent or disrupted protein product. Loss-of-function variants in DICER1 are known to be pathogenic (PMID: 19556464, 21266384). This variant is not present in population databases (gnomAD no frequency). This variant has not been reported in the literature in individuals affected with DICER1-related conditions. ClinVar contains an entry for this variant (Variation ID: 1745181). For these reasons, this variant has been classified as Pathogenic.

Ambry Genetics
Classification: Pathogenic for Hereditary cancer-predisposing syndrome. Last evaluated: 2019-08-30. Review status: criteria provided, single submitter. Criteria: Ambry Variant Classification Scheme 2023. Collection method: clinical testing. Allele origin: germline.
Comment: The p.Y1692* pathogenic mutation (also known as c.5076C>G), located in coding exon 22 of the DICER1 gene, results from a C to G substitution at nucleotide position 5076. This changes the amino acid from a tyrosine to a stop codon within coding exon 22. This alteration is expected to result in loss of function by premature protein truncation or nonsense-mediated mRNA decay. As such, this alteration is interpreted as a disease-causing mutation.

Literature cited by the submitters: PubMed 19556464 (cited by Labcorp Genetics (formerly Invitae), Labcorp); PubMed 21266384 (cited by Labcorp Genetics (formerly Invitae), Labcorp).